The following is an entry in ClinVar:

ClinVar aggregate classification (germline): Uncertain significance (1 of 4 stars; one submission).

Conditions:
Nephronophthisis 20 (NPHP20). Identifiers: MedGen C4310640, MONDO:0014997, OMIM 617271.

Allele frequency attached by ClinVar (database versions not stated): TOPMed below 0.00001.

Submission:

Baylor Genetics
Classification: Uncertain significance for Nephronophthisis 20. Last evaluated: 2019-07-16. Review status: criteria provided, single submitter. Criteria: ACMG Guidelines, 2015. Collection method: clinical testing. Allele origin: unknown. Affected: yes.
Comment: This variant was determined to be of uncertain significance according to ACMG Guidelines, 2015 [PMID:25741868].

NM_014994.3(MAPKBP1):c.3662C>T (p.Ala1221Val)

Gene: MAPKBP1 (mitogen-activated protein kinase binding protein 1; plus strand). Cytogenetic location: 15q15.1.
Variant type: single nucleotide variant.
Coding change: c.3662C>T on transcript NM_014994.3 (MANE Select); coding-DNA position 3662, C replaced by T.
Protein change: p.Ala1221Val; replaces alanine 1221 with valine.
Molecular consequence: missense variant. On other transcripts: non-coding transcript variant (2), intron variant (1).
Genome position (GRCh38, 1-based): chr15:41,823,510, C>T. VCF-style: chr15-41823510-C-T. GRCh37 (hg19) VCF-style: chr15-42115708-C-T.
Other names: c.3680C>T, p.Ala1227Val (NM_001128608.2); c.3382+504C>T (NM_001265611.2); short protein forms A1221V, A1227V.
Identifiers: ClinVar variation 1030173 (VCV001030173.1), dbSNP rs1797047068, ClinGen allele CA391877166.
Genomic context (GRCh38, chr15:41,823,510, plus strand): 5'-GACATGAGGCCAGTCTGCAGGCCCCTTCACCAGGCGCACTGCTGTCTCGGGAGATCGAAG[C>T]TCAGGATGGTCTGGGCTCCCTGCCCCCAGCTGATGGCCGTCCGTCTCGGCCTCACTCCTA-3'
Protein context (NP_055809.2, residues 1211-1231): PGALLSREIE[Ala1221Val]QDGLGSLPPA